The following is an entry in ClinVar:

NM_015295.3(SMCHD1):c.3410G>A (p.Ser1137Asn)

Gene: SMCHD1 (structural maintenance of chromosomes flexible hinge domain containing 1; plus strand). Cytogenetic location: 18p11.32.
Variant type: single nucleotide variant.
Coding change: c.3410G>A on transcript NM_015295.3 (MANE Select); coding-DNA position 3410, G replaced by A.
Protein change: p.Ser1137Asn; replaces serine 1137 with asparagine.
Molecular consequence: missense variant.
Genome position (GRCh38, 1-based): chr18:2,738,530, G>A. VCF-style: chr18-2738530-G-A. GRCh37 (hg19) VCF-style: chr18-2738528-G-A.
Other names: short protein forms S1137N.
Identifiers: ClinVar variation 2140355 (VCV002140355.4), dbSNP rs768044146, ClinGen allele CA8871186.
Genomic context (GRCh38, chr18:2,738,530, plus strand): 5'-CTGTAAAAGATATGCGCTATTGCCAGGTTTCATTCCAAGATGATCATGTGTCTTTGGAAA[G>A]TGCGTTTACAGTAAGGTTTGTGGACTCATTATATTTTGCAGCCTATGGCAACAAAATACT-3'
Protein context (NP_056110.2, residues 1127-1147): SFQDDHVSLE[Ser1137Asn]AFTVRPLPDE

ClinVar aggregate classification (germline): Uncertain significance (1 of 4 stars; one submission).

Conditions:
Facioscapulohumeral muscular dystrophy 2 (FSHD2). Also called: FACIOSCAPULOHUMERAL MUSCULAR DYSTROPHY 2, DIGENIC; FSHD2, DIGENIC; MUSCULAR DYSTROPHY, FACIOSCAPULOHUMERAL, TYPE 1B. Identifiers: Orphanet 269, MedGen C1834671, MONDO:0008031, OMIM 158901.

Allele frequency attached by ClinVar (database versions not stated): gnomAD 0.00001; TOPMed 0.00002; ExAC 0.00004.
gnomAD v4.1: 12 of 1,611,846 alleles (0.00074%); highest among the groups gnomAD compares: East Asian, 0.027%; no homozygotes.

Submission:

Labcorp Genetics (formerly Invitae), Labcorp
Classification: Uncertain significance for Facioscapulohumeral muscular dystrophy 2. Last evaluated: 2024-10-15. Review status: criteria provided, single submitter. Criteria: Invitae Variant Classification Sherloc (09022015). Collection method: clinical testing. Allele origin: germline.
Comment: This sequence change replaces serine, which is neutral and polar, with asparagine, which is neutral and polar, at codon 1137 of the SMCHD1 protein (p.Ser1137Asn). This variant is present in population databases (rs768044146, gnomAD 0.06%). This variant has not been reported in the literature in individuals affected with SMCHD1-related conditions. ClinVar contains an entry for this variant (Variation ID: 2140355). Invitae Evidence Modeling of protein sequence and biophysical properties (such as structural, functional, and spatial information, amino acid conservation, physicochemical variation, residue mobility, and thermodynamic stability) indicates that this missense variant is not expected to disrupt SMCHD1 protein function with a negative predictive value of 80%. In summary, the available evidence is currently insufficient to determine the role of this variant in disease. Therefore, it has been classified as a Variant of Uncertain Significance.